The following is an entry in ClinVar:

NM_022114.4(PRDM16):c.481A>C (p.Asn161His)

Gene: PRDM16 (PR/SET domain 16; plus strand). Cytogenetic location: 1p36.32.
Variant type: single nucleotide variant.
Coding change: c.481A>C on transcript NM_022114.4 (MANE Select); coding-DNA position 481, A replaced by C.
Protein change: p.Asn161His; replaces asparagine 161 with histidine.
Molecular consequence: missense variant.
Genome position (GRCh38, 1-based): chr1:3,385,194, A>C. VCF-style: chr1-3385194-A-C. GRCh37 (hg19) VCF-style: chr1-3301758-A-C.
Other names: c.481A>C (NM_022114.3); c.481A>C, p.Asn161His (NM_199454.3); short protein forms N161H.
Identifiers: ClinVar variation 2911875 (VCV002911875.4), dbSNP rs374664141, ClinGen allele CA338000459.

ClinVar aggregate classification (germline): Uncertain significance. Review status: criteria provided, multiple submitters, no conflicts (2 of 4 stars). 2 submissions from 2 submitters: Uncertain significance (2). Last evaluated 2024-12-04.

Conditions:
Inborn genetic diseases. Identifiers: MedGen C0950123, MeSH D030342.
Left ventricular noncompaction 8 (LVNC8). Identifiers: Orphanet 154, Orphanet 54260, MedGen C3809288, MONDO:0014152, OMIM 615373.

gnomAD v4.1: 5 of 1,613,580 alleles (0.00031%); highest among the groups gnomAD compares: Admixed American, 0.0017%; no homozygotes.

Submissions (2):

Ambry Genetics
Classification: Uncertain significance for Inborn genetic diseases. Last evaluated: 2024-12-04. Review status: criteria provided, single submitter. Criteria: Ambry Variant Classification Scheme 2023. Collection method: clinical testing. Allele origin: germline.

Labcorp Genetics (formerly Invitae), Labcorp
Classification: Uncertain significance for Left ventricular noncompaction 8. Last evaluated: 2024-06-11. Review status: criteria provided, single submitter. Criteria: Invitae Variant Classification Sherloc (09022015). Collection method: clinical testing. Allele origin: germline.
Comment: This sequence change replaces asparagine, which is neutral and polar, with histidine, which is basic and polar, at codon 161 of the PRDM16 protein (p.Asn161His). This variant is not present in population databases (gnomAD no frequency). This variant has not been reported in the literature in individuals affected with PRDM16-related conditions. An algorithm developed to predict the effect of missense changes on protein structure and function (PolyPhen-2) suggests that this variant is likely to be tolerated. In summary, the available evidence is currently insufficient to determine the role of this variant in disease. Therefore, it has been classified as a Variant of Uncertain Significance.